The following is an entry in ClinVar:

NM_001347721.2(DYRK1A):c.637+10C>A

Gene: DYRK1A (dual specificity tyrosine phosphorylation regulated kinase 1A; plus strand). Cytogenetic location: 21q22.13.
Variant type: single nucleotide variant.
Coding change: c.637+10C>A on transcript NM_001347721.2 (MANE Select); 10 bases into the intron after coding-DNA position 637, C replaced by A.
Molecular consequence: intron variant.
Genome position (GRCh38, 1-based): chr21:37,486,624, C>A. VCF-style: chr21-37486624-C-A. GRCh37 (hg19) VCF-style: chr21-38858926-C-A.
Other names: c.664+10C>A (NM_001396.5, NM_101395.2, NM_130438.2); c.637+10C>A (NM_001347722.2, NM_130436.2); c.550+10C>A (NM_001347723.2).
Identifiers: ClinVar variation 387543 (VCV000387543.1), dbSNP rs775642525, ClinGen allele CA10023820.

ClinVar aggregate classification (germline): Likely benign (1 of 4 stars; one submission).

Allele frequency attached by ClinVar (database versions not stated): TOPMed 0.00001; ExAC 0.00001.
gnomAD v4.1: 6 of 1,537,364 alleles (0.00039%); highest among the groups gnomAD compares: Middle Eastern, 0.017%; no homozygotes.

Submission:

GeneDx
Classification: Likely benign. Last evaluated: 2016-07-12. Review status: criteria provided, single submitter. Criteria: GeneDx Variant Classification (06012015). Collection method: clinical testing. Allele origin: germline. Affected: yes.
Comment: This variant is considered likely benign or benign based on one or more of the following criteria: it is a conservative change, it occurs at a poorly conserved position in the protein, it is predicted to be benign by multiple in silico algorithms, and/or has population frequency not consistent with disease.